The following is an entry in ClinVar:

ClinVar aggregate classification (germline): Uncertain significance. Review status: criteria provided, multiple submitters, no conflicts (2 of 4 stars). 2 submissions from 2 submitters: Uncertain significance (2). Last evaluated 2024-03-14.

Conditions:
Bloom syndrome (BLM). Also called: Bloom-Torre-Machacek syndrome. Identifiers: Orphanet 125, MedGen C0005859, MONDO:0008876, OMIM 210900.
Hereditary cancer-predisposing syndrome. Also called: Hereditary neoplastic syndrome; Hereditary Cancer Syndrome; Tumor predisposition; Neoplastic Syndromes, Hereditary. Identifiers: Orphanet 140162, MedGen C0027672, MeSH D009386, MONDO:0015356.

gnomAD v4.1: 1 of 1,614,158 alleles (0.000062%); highest among the groups gnomAD compares: Non-Finnish European, 0.000085%; no homozygotes.

Submissions (2):

Ambry Genetics
Classification: Uncertain significance for Hereditary cancer-predisposing syndrome. Last evaluated: 2024-03-14. Review status: criteria provided, single submitter. Criteria: Ambry Variant Classification Scheme 2023. Collection method: clinical testing. Allele origin: germline.
Comment: The p.I1154V variant (also known as c.3460A>G), located in coding exon 17 of the BLM gene, results from an A to G substitution at nucleotide position 3460. The isoleucine at codon 1154 is replaced by valine, an amino acid with highly similar properties. This amino acid position is conserved. In addition, this alteration is predicted to be tolerated by in silico analysis. Based on the available evidence, the clinical significance of this alteration remains unclear.

Labcorp Genetics (formerly Invitae), Labcorp
Classification: Uncertain significance for Bloom syndrome. Last evaluated: 2024-03-05. Review status: criteria provided, single submitter. Criteria: Invitae Variant Classification Sherloc (09022015). Collection method: clinical testing. Allele origin: germline.
Comment: This sequence change replaces isoleucine, which is neutral and non-polar, with valine, which is neutral and non-polar, at codon 1154 of the BLM protein (p.Ile1154Val). This variant is not present in population databases (gnomAD no frequency). This variant has not been reported in the literature in individuals affected with BLM-related conditions. ClinVar contains an entry for this variant (Variation ID: 1523637). Advanced modeling of protein sequence and biophysical properties (such as structural, functional, and spatial information, amino acid conservation, physicochemical variation, residue mobility, and thermodynamic stability) performed at Invitae indicates that this missense variant is not expected to disrupt BLM protein function with a negative predictive value of 80%. In summary, the available evidence is currently insufficient to determine the role of this variant in disease. Therefore, it has been classified as a Variant of Uncertain Significance.

NM_000057.4(BLM):c.3460A>G (p.Ile1154Val)

Gene: BLM (BLM RecQ like helicase; plus strand). Cytogenetic location: 15q26.1.
Variant type: single nucleotide variant.
Coding change: c.3460A>G on transcript NM_000057.4 (MANE Select); coding-DNA position 3460, A replaced by G.
Protein change: p.Ile1154Val; replaces isoleucine 1154 with valine.
Molecular consequence: missense variant. On other transcripts: intron variant (1).
Genome position (GRCh38, 1-based): chr15:90,803,622, A>G. VCF-style: chr15-90803622-A-G. GRCh37 (hg19) VCF-style: chr15-91346852-A-G.
Other names: c.3460A>G (NM_000057.2); c.3460A>G, p.Ile1154Val (NM_001287246.2); c.2335A>G, p.Ile779Val (NM_001287248.2); c.3358+5285A>G (NM_001287247.2); short protein forms I779V, I1154V.
Identifiers: ClinVar variation 1523637 (VCV001523637.7), dbSNP rs2151194288, ClinGen allele CA393847643.